The following is an entry in ClinVar:

NM_001395159.1(UNC79):c.6729C>T (p.Thr2243=)

Gene: UNC79 (unc-79 subunit of NALCN channel complex; plus strand). Cytogenetic location: 14q32.12.
Variant type: single nucleotide variant.
Coding change: c.6729C>T on transcript NM_001395159.1 (MANE Select); coding-DNA position 6729, C replaced by T.
Protein change: p.Thr2243=; no amino-acid change (threonine 2243 retained).
Molecular consequence: synonymous variant.
Genome position (GRCh38, 1-based): chr14:93,655,347, C>T. VCF-style: chr14-93655347-C-T. GRCh37 (hg19) VCF-style: chr14-94121693-C-T.
Other names: c.6663C>T, p.Thr2221= (NM_001346218.2); c.5982C>T, p.Thr1994= (NM_020818.5).
Identifiers: ClinVar variation 4981195 (VCV004981195.1).

ClinVar aggregate classification (germline): Likely benign (1 of 4 stars; one submission).

Conditions:
UNC79-related disorder. Also called: UNC79-related condition.

gnomAD v4.1: 68 of 1,614,090 alleles (0.0042%); highest among the groups gnomAD compares: Middle Eastern, 0.21%; no homozygotes.

Submission:

PreventionGenetics, part of Exact Sciences
Classification: Likely benign for UNC79-related condition. Last evaluated: 2025-10-03. Review status: criteria provided, single submitter. Criteria: ACMG Guidelines, 2015. Collection method: clinical testing. Allele origin: germline.
Comment: This variant is classified as likely benign based on ACMG/AMP sequence variant interpretation guidelines (Richards et al. 2015 PMID: 25741868, with internal and published modifications).